The following is an entry in ClinVar:

ClinVar aggregate classification (germline): Uncertain significance (1 of 4 stars; one submission).

Submission:

GeneDx
Classification: Uncertain significance. Last evaluated: 2026-07-21. Review status: criteria provided, single submitter. Criteria: GeneDx Variant Classification Process June 2021. Collection method: clinical testing. Allele origin: germline.
Comment: Not observed at significant frequency in large population cohorts (gnomAD); In silico analysis supports that this missense variant has a deleterious effect on protein structure/function; Has not been previously published as pathogenic or benign to our knowledge

NM_021005.4(NR2F2):c.621G>A (p.Met207Ile)

Gene: NR2F2 (nuclear receptor subfamily 2 group F member 2; plus strand). Cytogenetic location: 15q26.2.
Variant type: single nucleotide variant.
Coding change: c.621G>A on transcript NM_021005.4 (MANE Select); coding-DNA position 621, G replaced by A.
Protein change: p.Met207Ile; replaces methionine 207 with isoleucine.
Molecular consequence: missense variant.
Genome position (GRCh38, 1-based): chr15:96,334,254, G>A. VCF-style: chr15-96334254-G-A. GRCh37 (hg19) VCF-style: chr15-96877483-G-A.
Other names: c.222G>A, p.Met74Ile (NM_001145155.2); c.162G>A, p.Met54Ile (NM_001145156.1, NM_001145157.2); short protein forms M207I, M54I, M74I.
Identifiers: ClinVar variation 2662479 (VCV002662479.2), dbSNP rs2505774378, ClinGen allele CA393930800.